The following is an entry in ClinVar:

ClinVar aggregate classification (germline): Uncertain significance. Review status: criteria provided, multiple submitters, no conflicts (2 of 4 stars). 2 submissions from 2 submitters: Uncertain significance (2). Last evaluated 2023-08-14.

Conditions:
Colorectal cancer, susceptibility to, 1. Also called: COLORECTAL ADENOMA AND CANCER, SUSCEPTIBILITY TO; COLORECTAL CANCER, SUSCEPTIBILITY TO, ON CHROMOSOME 9. Identifiers: MedGen C1837315, MONDO:0012132, OMIM 608812.

Allele frequency attached by ClinVar (database versions not stated): gnomAD exomes below 0.00001; TOPMed below 0.00001.
gnomAD v4.1: 2 of 1,597,390 alleles (0.00013%); highest among the groups gnomAD compares: African/African-American, 0.0027%; no homozygotes.

Submissions (2):

Baylor Genetics
Classification: Uncertain significance for Colorectal cancer, susceptibility to, 1. Last evaluated: 2023-08-14. Review status: criteria provided, single submitter. Criteria: ACMG Guidelines, 2015. Collection method: clinical testing. Allele origin: unknown.

Ambry Genetics
Classification: Uncertain significance. Last evaluated: 2020-11-02. Review status: criteria provided, single submitter. Criteria: Ambry Variant Classification Scheme 2023. Collection method: clinical testing. Allele origin: germline.
Comment: The p.G221A variant (also known as c.662G>C), located in coding exon 3 of the GALNT12 gene, results from a G to C substitution at nucleotide position 662. The glycine at codon 221 is replaced by alanine, an amino acid with similar properties. This amino acid position is highly conserved in available vertebrate species. In addition, the in silico prediction for this alteration is inconclusive. Since supporting evidence is limited at this time, the clinical significance of this alteration remains unclear.

NM_024642.5(GALNT12):c.662G>C (p.Gly221Ala)

Gene: GALNT12 (polypeptide N-acetylgalactosaminyltransferase 12; plus strand). Cytogenetic location: 9q22.33.
Variant type: single nucleotide variant.
Coding change: c.662G>C on transcript NM_024642.5 (MANE Select); coding-DNA position 662, G replaced by C.
Protein change: p.Gly221Ala; replaces glycine 221 with alanine.
Molecular consequence: missense variant.
Genome position (GRCh38, 1-based): chr9:98,826,872, G>C. VCF-style: chr9-98826872-G-C. GRCh37 (hg19) VCF-style: chr9-101589154-G-C.
Other names: short protein forms G221A.
Identifiers: ClinVar variation 1754569 (VCV001754569.3), dbSNP rs568933955, ClinGen allele CA196819557.